The following is an entry in ClinVar:

ClinVar aggregate classification (germline): Likely pathogenic (1 of 4 stars; one submission).

Conditions:
Usher syndrome. Also called: Usher Syndromes; Usher's syndrome. Identifiers: Orphanet 886, MedGen CN469326, MeSH D052245, MONDO:0019501. Disease mechanism: loss of function.

Submission:

Laboratory for Molecular Medicine, Mass General Brigham Personalized Medicine
Classification: Likely pathogenic for Usher syndrome. Last evaluated: 2020-06-19. Review status: criteria provided, single submitter. Criteria: LMM Criteria. Collection method: clinical testing. Allele origin: germline. Observed: 1 variant allele.
Comment: The deletion of exons 43-47 in USH2A has not been previously reported in individuals with Usher syndrome and has not been observed in population studies such as the Database of Genomic Variants or ExAC. Please note that exact breakpoints could not be determined due to limitations of the testing methodology. This deletion is in-frame and removes 4% (689 of 15609 nucleotides) of the coding sequence. Several smaller deletions impacting exons encompassed by this deletion have been reported in individuals with Usher syndrome and/or hearing loss. In summary, while additional evidence is needed to confirm its impact, the variant is likely pathogenic. ACMG/AMP criteria applied: PVS1_Strong, PM2.

NC_000001.10:g.(?_216011333)_(216040512_?)del

Gene: USH2A (usherin; minus strand). Cytogenetic location: 1q41.
Variant type: Deletion.
Identifiers: ClinVar variation 1120063 (VCV001120063.4).